The following is an entry in ClinVar:

ClinVar aggregate classification (germline): Uncertain significance (1 of 4 stars; one submission).

Conditions:
Fanconi anemia (FA). Also called: Fanconi's anemia. Identifiers: Orphanet 84, MedGen C0015625, MeSH D005199, MONDO:0019391.

gnomAD v4.1: 2 of 1,614,002 alleles (0.00012%); highest among the groups gnomAD compares: African/African-American, 0.0013%; no homozygotes.

Submission:

Labcorp Genetics (formerly Invitae), Labcorp
Classification: Uncertain significance for Fanconi anemia. Last evaluated: 2022-09-06. Review status: criteria provided, single submitter. Criteria: Invitae Variant Classification Sherloc (09022015). Collection method: clinical testing. Allele origin: germline.
Comment: In summary, the available evidence is currently insufficient to determine the role of this variant in disease. Therefore, it has been classified as a Variant of Uncertain Significance. Algorithms developed to predict the effect of missense changes on protein structure and function are either unavailable or do not agree on the potential impact of this missense change (SIFT: "Deleterious"; PolyPhen-2: "Benign"; Align-GVGD: "Class C0"). This variant has not been reported in the literature in individuals affected with FANCA-related conditions. This variant is not present in population databases (gnomAD no frequency). This sequence change replaces leucine, which is neutral and non-polar, with valine, which is neutral and non-polar, at codon 946 of the FANCA protein (p.Leu946Val).

NM_000135.4(FANCA):c.2836C>G (p.Leu946Val)

Gene: FANCA (FA complementation group A; minus strand). Cytogenetic location: 16q24.3.
Variant type: single nucleotide variant.
Coding change: c.2836C>G on transcript NM_000135.4 (MANE Select); coding-DNA position 2836, C replaced by G.
Protein change: p.Leu946Val; replaces leucine 946 with valine.
Molecular consequence: missense variant.
Genome position (GRCh38, 1-based): chr16:89,761,965, G>C on the plus strand (C>G on the coding strand, the complement: FANCA is on the minus strand). VCF-style: chr16-89761965-G-C. GRCh37 (hg19) VCF-style: chr16-89828373-G-C.
Other names: c.2836C>G, p.Leu946Val (NM_001286167.3); short protein forms L946V.
Identifiers: ClinVar variation 2002428 (VCV002002428.4), dbSNP rs1598096917, ClinGen allele CA397433280.